The following is an entry in ClinVar:

NM_014159.7(SETD2):c.2036C>T (p.Ala679Val)

Gene: SETD2 (SET domain containing 2, histone lysine methyltransferase; minus strand). Cytogenetic location: 3p21.31.
Variant type: single nucleotide variant.
Coding change: c.2036C>T on transcript NM_014159.7 (MANE Select); coding-DNA position 2036, C replaced by T.
Protein change: p.Ala679Val; replaces alanine 679 with valine.
Molecular consequence: missense variant. On other transcripts: non-coding transcript variant (1).
Genome position (GRCh38, 1-based): chr3:47,122,600, G>A on the plus strand (C>T on the coding strand, the complement: SETD2 is on the minus strand). VCF-style: chr3-47122600-G-A. GRCh37 (hg19) VCF-style: chr3-47164090-G-A.
Other names: c.1904C>T, p.Ala635Val (NM_001349370.3); c.2036C>T (NM_014159.6); short protein forms A635V, A679V.
Identifiers: ClinVar variation 1017779 (VCV001017779.7), dbSNP rs750308104, ClinGen allele CA2363594.

ClinVar aggregate classification (germline): Conflicting classifications of pathogenicity. Review status: criteria provided, conflicting classifications (1 of 4 stars). 3 submissions from 3 submitters: Uncertain significance (2); Likely benign (1). Last evaluated 2025-10-03.

Conditions:
SETD2-related disorder.
Luscan-Lumish syndrome. Identifiers: Orphanet 597738, MedGen C4085873, MONDO:0014791, OMIM 616831.

Allele frequency attached by ClinVar (database versions not stated): ExAC 0.00002; gnomAD 0.00002; gnomAD exomes 0.00002 and 0.00003; TOPMed 0.00004.
gnomAD v4.1: 40 of 1,613,932 alleles (0.0025%); highest among the groups gnomAD compares: Middle Eastern, 0.016%; no homozygotes.

Submissions (3):

Women's Health and Genetics/Laboratory Corporation of America, LabCorp
Classification: Uncertain significance. Last evaluated: 2025-10-03. Review status: criteria provided, single submitter. Criteria: LabCorp Variant Classification Summary - May 2015. Collection method: clinical testing. Allele origin: germline.
Comment: Variant summary: SETD2 c.2036C>T (p.Ala679Val) results in a non-conservative amino acid change in the encoded protein sequence. Algorithms developed to predict the effect of missense changes on protein structure and function are either unavailable or do not agree on the potential impact of this missense change. The variant allele was found at a frequency of 2.4e-05 in 250910 control chromosomes. The available data on variant occurrences in the general population are insufficient to allow any conclusion about variant significance. To our knowledge, no occurrence of c.2036C>T in individuals affected with SETD2-related conditions and no experimental evidence demonstrating its impact on protein function have been reported. ClinVar contains an entry for this variant (Variation ID: 1017779). Based on the evidence outlined above, the variant was classified as uncertain significance.

PreventionGenetics, part of Exact Sciences
Classification: Likely benign for SETD2-related condition. Last evaluated: 2024-12-21. Review status: criteria provided, single submitter. Criteria: ACMG Guidelines, 2015. Collection method: clinical testing. Allele origin: germline.
Comment: This variant is classified as likely benign based on ACMG/AMP sequence variant interpretation guidelines (Richards et al. 2015 PMID: 25741868, with internal and published modifications).

Labcorp Genetics (formerly Invitae), Labcorp
Classification: Uncertain significance for Luscan-Lumish syndrome. Last evaluated: 2023-11-03. Review status: criteria provided, single submitter. Criteria: Invitae Variant Classification Sherloc (09022015). Collection method: clinical testing. Allele origin: germline.
Comment: This sequence change replaces alanine, which is neutral and non-polar, with valine, which is neutral and non-polar, at codon 679 of the SETD2 protein (p.Ala679Val). This variant is present in population databases (rs750308104, gnomAD 0.009%). This variant has not been reported in the literature in individuals affected with SETD2-related conditions. ClinVar contains an entry for this variant (Variation ID: 1017779). Advanced modeling of protein sequence and biophysical properties (such as structural, functional, and spatial information, amino acid conservation, physicochemical variation, residue mobility, and thermodynamic stability) performed at Invitae indicates that this missense variant is not expected to disrupt SETD2 protein function with a negative predictive value of 80%. In summary, the available evidence is currently insufficient to determine the role of this variant in disease. Therefore, it has been classified as a Variant of Uncertain Significance.